The following is an entry in ClinVar:

ClinVar aggregate classification (germline): Pathogenic/Likely pathogenic. Review status: criteria provided, multiple submitters, no conflicts (2 of 4 stars). 5 submissions from 5 submitters: Pathogenic (1); Likely pathogenic (3). 1 of the submissions does not count toward it. Last evaluated 2025-11-04.

Conditions:
Autosomal recessive nonsyndromic hearing loss 1A (DFNB1A). Also called: GJB6-Related DFNB 1 Nonsyndromic Hearing Loss and Deafness; Deafness, autosomal recessive 1A; Deafness nonsyndromic, Connexin 26 linked; Connexin 26 deafness; Nonsyndromic Hearing Loss and Deafness, DFNB1; GJB2-Related Autosomal Recessive Nonsyndromic Hearing Loss. Identifiers: Orphanet 90636, MedGen C2673759, MONDO:0009076, OMIM 220290.
Mutilating keratoderma (VOWNKL). Also called: Keratoderma hereditarium mutilans. Identifiers: Orphanet 494, MedGen C0265964, MONDO:0007422, OMIM 124500.
Ichthyosis, hystrix-like, with hearing loss. Also called: Hystrix-like ichthyosis with deafness. Identifiers: Orphanet 477, MedGen C1865234, MONDO:0011245.
Palmoplantar keratoderma-deafness syndrome. Also called: Keratoderma palmoplantar, with deafness; Palmoplantar keratoderma and sensorineural deafness; Hereditary palmoplantar keratoderma with deafness (subtype); Focal palmoplantar keratoderma with sensorineural deafness (subtype); Diffuse palmoplantar keratoderma with deafness (subtype). Identifiers: Orphanet 2202, MedGen C1835672, MONDO:0007852, OMIM 148350.
Knuckle pads, deafness AND leukonychia syndrome. Also called: Bart-Pumphrey syndrome. Identifiers: Orphanet 2698, MedGen C0266004, MONDO:0007866, OMIM 149200.
Autosomal dominant keratitis-ichthyosis-hearing loss syndrome. Also called: HID SYNDROME; Senter syndrome; KID SYNDROME, AUTOSOMAL DOMINANT. Identifiers: Orphanet 477, MedGen C0265336, MONDO:0007850, OMIM 148210.
Autosomal dominant nonsyndromic hearing loss 3A. Identifiers: Orphanet 90635, MedGen C2675750, MONDO:0011103, OMIM 601544.

Allele frequency attached by ClinVar (database versions not stated): gnomAD exomes 0.00002 and 0.00001; ExAC 0.00002.
gnomAD v4.1: 7 of 1,614,118 alleles (0.00043%); highest among the groups gnomAD compares: South Asian, 0.0077%; 1 homozygote.

Submissions (5):

Natera, Inc.
Classification: Likely pathogenic for Autosomal recessive deafness type 1A. Last evaluated: 2025-11-04. Review status: criteria provided, single submitter. Criteria: Natera Variant Classification Schema (03/2026). Collection method: clinical testing. Allele origin: germline.
Comment: The c.514T>A variant in GJB2 is a missense variant predicted to cause substitution of tryptophan to arginine at amino acid 172. This variant is rare in the general population with a frequency below the threshold expected for the associated phenotype(s). This variant has been observed in one or more individuals affected with the associated recessive disease, as either homozygous or compound heterozygous with a second variant (PMID: 18941476). A different variant at the same position has been determined to be Pathogenic or Likely Pathogenic. Given the available evidence, this variant is classified as Likely Pathogenic.

GeneDx
Classification: Likely pathogenic. Last evaluated: 2025-04-06. Review status: criteria provided, single submitter. Criteria: GeneDx Variant Classification Process June 2021. Collection method: clinical testing. Allele origin: germline. Affected: yes.
Comment: Published functional studies demonstrate a damaging effect resulting in impaired intercellular transfer and gap junction activity (PMID: 18941476); In silico analysis indicates that this missense variant does not alter protein structure/function; This variant is associated with the following publications: (PMID: 33466560, 31195736, 36048236, 18941476, 25388846, 38486023)

Fulgent Genetics
Classification: Likely pathogenic for Mutilating keratoderma; Autosomal dominant keratitis-ichthyosis-hearing loss syndrome; Palmoplantar keratoderma-deafness syndrome; Knuckle pads, deafness AND leukonychia syndrome; Autosomal recessive nonsyndromic hearing loss 1A; Autosomal dominant nonsyndromic hearing loss 3A. Last evaluated: 2024-06-10. Review status: criteria provided, single submitter. Criteria: ACMG Guidelines, 2015. Collection method: clinical testing. Allele origin: germline.

Labcorp Genetics (formerly Invitae), Labcorp
Classification: Pathogenic. Last evaluated: 2023-11-05. Review status: criteria provided, single submitter. Criteria: Invitae Variant Classification Sherloc (09022015). Collection method: clinical testing. Allele origin: germline.
Comment: This sequence change replaces tryptophan, which is neutral and slightly polar, with arginine, which is basic and polar, at codon 172 of the GJB2 protein (p.Trp172Arg). This variant is present in population databases (rs770330002, gnomAD 0.02%). This missense change has been observed in individuals with autosomal recessive non-syndromic deafness (PMID: 18941476). ClinVar contains an entry for this variant (Variation ID: 557805). Advanced modeling of protein sequence and biophysical properties (such as structural, functional, and spatial information, amino acid conservation, physicochemical variation, residue mobility, and thermodynamic stability) has been performed at Invitae for this missense variant, however the output from this modeling did not meet the statistical confidence thresholds required to predict the impact of this variant on GJB2 protein function. Experimental studies have shown that this missense change affects GJB2 function (PMID: 18941476). This variant disrupts the p.Trp172 amino acid residue in GJB2. Other variant(s) that disrupt this residue have been determined to be pathogenic (PMID: 15790391, 20201936, 31195736). This suggests that this residue is clinically significant, and that variants that disrupt this residue are likely to be disease-causing. For these reasons, this variant has been classified as Pathogenic.

Counsyl
Classification: Uncertain significance for Autosomal recessive nonsyndromic hearing loss 1A. Last evaluated: 2018-04-06. Review status: no assertion criteria provided. Collection method: clinical testing. Allele origin: unknown. Not counted in ClinVar's aggregate classification.

Literature cited by the submitters: PubMed 18941476 (cited by 3 submitters); PubMed 15790391 (cited by Labcorp Genetics (formerly Invitae), Labcorp); PubMed 20201936 (cited by Labcorp Genetics (formerly Invitae), Labcorp); PubMed 31195736 (cited by Labcorp Genetics (formerly Invitae), Labcorp).

NM_004004.6(GJB2):c.514T>A (p.Trp172Arg)

Gene: GJB2 (gap junction protein beta 2; minus strand). Cytogenetic location: 13q12.11.
Variant type: single nucleotide variant.
Coding change: c.514T>A on transcript NM_004004.6 (MANE Select); coding-DNA position 514, T replaced by A.
Protein change: p.Trp172Arg; replaces tryptophan 172 with arginine.
Molecular consequence: missense variant.
Genome position (GRCh38, 1-based): chr13:20,189,068, A>T on the plus strand (T>A on the coding strand, the complement: GJB2 is on the minus strand). VCF-style: chr13-20189068-A-T. GRCh37 (hg19) VCF-style: chr13-20763207-A-T.
Other names: short protein forms W172R.
Identifiers: ClinVar variation 557805 (VCV000557805.13), dbSNP rs770330002, ClinGen allele CA6904247.